The following is an entry in ClinVar:

NM_020944.3(GBA2):c.2183_2184del (p.Arg728fs)

Gene: GBA2 (glucosylceramidase beta 2; minus strand). Cytogenetic location: 9p13.3.
Variant type: Microsatellite.
Coding change: c.2183_2184del on transcript NM_020944.3 (MANE Select); coding-DNA positions 2183 to 2184, 2 bases deleted (GA; older notation c.2183_2184delGA).
Protein change: p.Arg728fs; shifts the reading frame from arginine 728.
Molecular consequence: frameshift variant.
Genome position (GRCh38, 1-based): chr9:35,738,245-35,738,246, TC deleted on the plus strand (GA on the coding strand, the reverse complement: GBA2 is on the minus strand); deleting any 2 consecutive bases within chr9:35,738,245-35,738,250 gives the same sequence; the c. name uses the placement nearest the transcript's 3' end. VCF-style (leftmost placement, unchanged base first): chr9-35738244-GTC-G. GRCh37 (hg19) VCF-style: chr9-35738241-GTC-G.
Other names: c.2183_2184del, p.Arg728fs (NM_001330660.2); short protein forms R728fs.
Identifiers: ClinVar variation 4854474 (VCV004854474.1).

ClinVar aggregate classification (germline): Likely pathogenic (1 of 4 stars; one submission).

Conditions:
Hereditary spastic paraplegia 46. Also called: Spastic paraplegia 46, autosomal recessive. Identifiers: Orphanet 320391, MedGen C2828721, MONDO:0013737, OMIM 614409.

Submission:

3billion
Classification: Likely pathogenic for Hereditary spastic paraplegia 46. Last evaluated: 2025-10-02. Review status: criteria provided, single submitter. Criteria: ACMG Guidelines, 2015. Collection method: clinical testing. Allele origin: germline. Affected: yes.
Comment: The variant is not observed in the gnomAD v4.1.0 dataset. Predicted Consequence/Location: Frameshift: predicted to result in a loss or disruption of normal protein function through nonsense-mediated decay (NMD) or protein truncation. Multiple pathogenic variants are reported downstream of the variant. Therefore, this variant is classified as Likely pathogenic according to the recommendation of ACMG/AMP guideline.